The following is an entry in ClinVar:

NM_001367624.2(ZNF469):c.2111G>T (p.Gly704Val)

Gene: ZNF469 (zinc finger protein 469; plus strand). Cytogenetic location: 16q24.2.
Variant type: single nucleotide variant.
Coding change: c.2111G>T on transcript NM_001367624.2 (MANE Select); coding-DNA position 2111, G replaced by T.
Protein change: p.Gly704Val; replaces glycine 704 with valine.
Molecular consequence: missense variant.
Genome position (GRCh38, 1-based): chr16:88,429,581, G>T. VCF-style: chr16-88429581-G-T. GRCh37 (hg19) VCF-style: chr16-88495989-G-T.
Other names: NM_001127464.1:c.2111G>T; short protein forms G704V.
Identifiers: ClinVar variation 3372993 (VCV003372993.1).

ClinVar aggregate classification (germline): Uncertain significance (1 of 4 stars; one submission).

Submission:

GeneDx
Classification: Uncertain significance. Last evaluated: 2024-04-28. Review status: criteria provided, single submitter. Criteria: GeneDx Variant Classification Process June 2021. Collection method: clinical testing. Allele origin: germline. Affected: yes.
Comment: Not observed at significant frequency in large population cohorts (gnomAD); In silico analysis supports that this missense variant has a deleterious effect on protein structure/function; Has not been previously published as pathogenic or benign to our knowledge